The following is an entry in ClinVar:

ClinVar aggregate classification (germline): Pathogenic (1 of 4 stars; one submission).

Conditions:
Duchenne muscular dystrophy (DMD). Also called: MUSCULAR DYSTROPHY, PSEUDOHYPERTROPHIC PROGRESSIVE, DUCHENNE TYPE; Duchenne Muscular Dystrophy (DMD). Identifiers: Orphanet 98896, MedGen C0013264, MONDO:0010679, OMIM 310200.

Submission:

Labcorp Genetics (formerly Invitae), Labcorp
Classification: Pathogenic for Duchenne muscular dystrophy. Last evaluated: 2023-11-16. Review status: criteria provided, single submitter. Criteria: Invitae Variant Classification Sherloc (09022015). Collection method: clinical testing. Allele origin: unknown.
Comment: This variant is a gross deletion of the genomic region encompassing exon(s) 20-43 of the DMD gene. This deletion is out-of-frame, and is expected to create a premature termination codon and result in an absent or disrupted protein product. Loss-of-function variants in DMD are known to be pathogenic (PMID: 16770791, 25007885). A similar copy number variant has been observed in individual(s) with Duchenne or Becker muscular dystrophy (PMID: 20847377). For these reasons, this variant has been classified as Pathogenic.

Literature cited by the submitters: PubMed 16770791; PubMed 25007885; PubMed 20847377.

NC_000023.10:g.(?_32305626)_(32509655_?)del

Gene: DMD (dystrophin; minus strand). Cytogenetic location: Xp21.1.
Variant type: Deletion.
Identifiers: ClinVar variation 3246121 (VCV003246121.1).